The following is an entry in ClinVar:

ClinVar aggregate classification (germline): Uncertain significance (1 of 4 stars; one submission).

Allele frequency attached by ClinVar (database versions not stated): gnomAD exomes below 0.00001; gnomAD 0.00001; TOPMed 0.00001.
gnomAD v4.1: 4 of 1,614,110 alleles (0.00025%); highest among the groups gnomAD compares: African/African-American, 0.0027%; no homozygotes.

Submission:

Labcorp Genetics (formerly Invitae), Labcorp
Classification: Uncertain significance. Last evaluated: 2022-08-23. Review status: criteria provided, single submitter. Criteria: Invitae Variant Classification Sherloc (09022015). Collection method: clinical testing. Allele origin: germline.
Comment: This sequence change replaces cysteine, which is neutral and slightly polar, with tyrosine, which is neutral and polar, at codon 599 of the PCARE protein (p.Cys599Tyr). This variant is not present in population databases (gnomAD no frequency). This variant has not been reported in the literature in individuals affected with PCARE-related conditions. Algorithms developed to predict the effect of missense changes on protein structure and function are either unavailable or do not agree on the potential impact of this missense change (SIFT: "Deleterious"; PolyPhen-2: "Probably Damaging"; Align-GVGD: "Class C15"). In summary, the available evidence is currently insufficient to determine the role of this variant in disease. Therefore, it has been classified as a Variant of Uncertain Significance.

NM_001029883.3(PCARE):c.1796G>A (p.Cys599Tyr)

Gene: PCARE (photoreceptor cilium actin regulator; minus strand). Cytogenetic location: 2p23.2.
Variant type: single nucleotide variant.
Coding change: c.1796G>A on transcript NM_001029883.3 (MANE Select); coding-DNA position 1796, G replaced by A.
Protein change: p.Cys599Tyr; replaces cysteine 599 with tyrosine.
Molecular consequence: missense variant.
Genome position (GRCh38, 1-based): chr2:29,072,466, C>T on the plus strand (G>A on the coding strand, the complement: PCARE is on the minus strand). VCF-style: chr2-29072466-C-T. GRCh37 (hg19) VCF-style: chr2-29295332-C-T.
Other names: short protein forms C599Y.
Identifiers: ClinVar variation 2095947 (VCV002095947.4), dbSNP rs1283984357, ClinGen allele CA346478896.